The following is an entry in ClinVar:

ClinVar aggregate classification (germline): Likely benign (1 of 4 stars; one submission).

Submission:

GeneDx
Classification: Likely benign. Last evaluated: 2018-02-26. Review status: criteria provided, single submitter. Criteria: GeneDx Variant Classification (06012015). Collection method: clinical testing. Allele origin: germline. Affected: yes.
Comment: This variant is considered likely benign or benign based on one or more of the following criteria: it is a conservative change, it occurs at a poorly conserved position in the protein, it is predicted to be benign by multiple in silico algorithms, and/or has population frequency not consistent with disease.

NM_001267550.2(TTN):c.74640G>C (p.Gln24880His)

Genes: TTN (titin; minus strand), TTN-AS1 (TTN antisense RNA 1; plus strand). Cytogenetic location: 2q31.2.
Variant type: single nucleotide variant.
Coding change: c.74640G>C on transcript NM_001267550.2 (MANE Select); coding-DNA position 74640, G replaced by C.
Protein change: p.Gln24880His; replaces glutamine 24880 with histidine.
Molecular consequence: missense variant.
Genome position (GRCh38, 1-based): chr2:178,571,492, C>G on the plus strand (G>C on the coding strand, the complement: TTN is on the minus strand). VCF-style: chr2-178571492-C-G. GRCh37 (hg19) VCF-style: chr2-179436219-C-G.
Other names: c.69717G>C, p.Gln23239His (NM_001256850.1); c.47445G>C, p.Gln15815His (NM_003319.4); c.66936G>C, p.Gln22312His (NM_133378.4); c.47820G>C, p.Gln15940His (NM_133432.3); c.48021G>C, p.Gln16007His (NM_133437.4); short protein forms Q23239H, Q24880H, Q15815H, Q16007H, Q22312H, Q15940H.
Identifiers: ClinVar variation 515838 (VCV000515838.1), dbSNP rs755733728, ClinGen allele CA349632560.
Genomic context (GRCh38, chr2:178,571,492, plus strand): 5'-AGTAGGCTCTGAATTGAGGTAGGTACTCTTCCCATATCTGTTTTCAGCTGCAATTCTAAA[C>G]TGATATTCACATCCAGTCTTCAGTCTGCAAGCCTTTATTGTTGTCCTTGCAACTGTAGCT-3'
Protein context (NP_001254479.2, residues 24870-24890): ACRLKTGCEY[Gln24880His]FRIAAENRYG